The following is an entry in ClinVar:

ClinVar aggregate classification (germline): Likely benign (1 of 4 stars; one submission).

Allele frequency attached by ClinVar (database versions not stated): ExAC 0.00001; gnomAD exomes 0.00001; TOPMed 0.00002; gnomAD 0.00003.
gnomAD v4.1: 15 of 1,613,982 alleles (0.00093%); highest among the groups gnomAD compares: Admixed American, 0.0033%; no homozygotes.

Submission:

CeGaT Center for Human Genetics Tuebingen
Classification: Likely benign. Last evaluated: 2024-06-01. Review status: criteria provided, single submitter. Criteria: CeGaT Center For Human Genetics Tuebingen Variant Classification Criteria Version 2. Collection method: clinical testing. Allele origin: germline. Affected: yes. Observed: 1 variant allele.
Comment: QRICH1: BP4, BP7

NM_198880.3(QRICH1):c.1227G>A (p.Thr409=)

Gene: QRICH1 (glutamine rich 1; minus strand). Cytogenetic location: 3p21.31.
Variant type: single nucleotide variant.
Coding change: c.1227G>A on transcript NM_198880.3 (MANE Select); coding-DNA position 1227, G replaced by A.
Protein change: p.Thr409=; no amino-acid change (threonine 409 retained).
Molecular consequence: synonymous variant.
Genome position (GRCh38, 1-based): chr3:49,056,973, C>T on the plus strand (G>A on the coding strand, the complement: QRICH1 is on the minus strand). VCF-style: chr3-49056973-C-T. GRCh37 (hg19) VCF-style: chr3-49094406-C-T.
Other names: c.1227G>A, p.Thr409= (NM_001320580.2, NM_001320581.2, NM_001320582.2 and 4 more transcripts).
Identifiers: ClinVar variation 3250780 (VCV003250780.18), dbSNP rs759670784.
Genomic context (GRCh38, chr3:49,056,973, plus strand): 5'-TTCCTGGGGAGTTTGCTGCTGCGGCTGCTGTTGGGGGTCCCATATATGGACAGTTTGAGC[C>T]GTATTCTGGTACGTGCCTGCCACAGCCTGCACAGCCACTGGAATGTGGATGTTGCCATTC-3'
Protein context (NP_942581.1, residues 399-419): VQAVAGTYQN[Thr409=]AQTVHIWDPQ